The following is an entry in ClinVar:

NM_001040142.2(SCN2A):c.2755G>A (p.Glu919Lys)

Gene: SCN2A (sodium voltage-gated channel alpha subunit 2; plus strand). Cytogenetic location: 2q24.3.
Variant type: single nucleotide variant.
Coding change: c.2755G>A on transcript NM_001040142.2 (MANE Select); coding-DNA position 2755, G replaced by A.
Protein change: p.Glu919Lys; replaces glutamic acid 919 with lysine.
Molecular consequence: missense variant.
Genome position (GRCh38, 1-based): chr2:165,344,747, G>A. VCF-style: chr2-165344747-G-A. GRCh37 (hg19) VCF-style: chr2-166201257-G-A.
Other names: c.2755G>A, p.Glu919Lys (NM_001040143.2, NM_001371246.1, NM_001371247.1 and 1 more transcripts); short protein forms E919K.
Identifiers: ClinVar variation 2585569 (VCV002585569.1), dbSNP rs1553579419, ClinGen allele CA349015285.

ClinVar aggregate classification (germline): Uncertain significance (1 of 4 stars; one submission).

Conditions:
Developmental and epileptic encephalopathy, 11 (DEE11). Also called: Early infantile epileptic encephalopathy 11. Identifiers: Orphanet 1934, MedGen C3150987, MONDO:0013388, OMIM 613721.

Submission:

Neuberg Centre For Genomic Medicine, NCGM
Classification: Uncertain significance for Developmental and epileptic encephalopathy, 11. Review status: criteria provided, single submitter. Criteria: ACMG Guidelines, 2015. Collection method: clinical testing. Allele origin: germline. Inheritance: Autosomal dominant inheritance. Affected: yes.
Comment: The missense variant in c.2755G>A (p.Glu919Lys) in SCN2A gene has not been reported previously as a pathogenic variant nor as a benign variant, to our knowledge. The p.Glu919Lys variant is novel (not in any individuals) in gnomAD Exomes and 1000 Genomes. This variant has not been reported to the ClinVar database. The amino acid Glu at position 919 is changed to a Lys changing protein sequence and it might alter its composition and physico-chemical properties. The amino acid change p.Glu919Lys in SCN2A is predicted as conserved by GERP++ and PhyloP across 100 vertebrates. For these reasons, this variant has been classified as Uncertain Significance (VUS).